The following is an entry in ClinVar:

ClinVar aggregate classification (germline): Uncertain significance (1 of 4 stars; one submission).

Conditions:
RASopathy. Also called: rasopathies; Noonan spectrum disorder. Identifiers: Orphanet 536391, MedGen C5555857, MONDO:0021060.

Submission:

Labcorp Genetics (formerly Invitae), Labcorp
Classification: Uncertain significance for RASopathy. Last evaluated: 2022-03-04. Review status: criteria provided, single submitter. Criteria: Invitae Variant Classification Sherloc (09022015). Collection method: clinical testing. Allele origin: germline.
Comment: This variant has not been reported in the literature in individuals affected with SOS1-related conditions. This variant is not present in population databases (gnomAD no frequency). This sequence change replaces proline, which is neutral and non-polar, with histidine, which is basic and polar, at codon 1023 of the SOS1 protein (p.Pro1023His). Advanced modeling of protein sequence and biophysical properties (such as structural, functional, and spatial information, amino acid conservation, physicochemical variation, residue mobility, and thermodynamic stability) performed at Invitae indicates that this missense variant is not expected to disrupt SOS1 protein function. In summary, the available evidence is currently insufficient to determine the role of this variant in disease. Therefore, it has been classified as a Variant of Uncertain Significance.

NM_005633.4(SOS1):c.3068C>A (p.Pro1023His)

Gene: SOS1 (SOS Ras/Rac guanine nucleotide exchange factor 1; minus strand). Cytogenetic location: 2p22.1.
Variant type: single nucleotide variant.
Coding change: c.3068C>A on transcript NM_005633.4 (MANE Select); coding-DNA position 3068, C replaced by A.
Protein change: p.Pro1023His; replaces proline 1023 with histidine.
Molecular consequence: missense variant.
Genome position (GRCh38, 1-based): chr2:38,996,935, G>T on the plus strand (C>A on the coding strand, the complement: SOS1 is on the minus strand). VCF-style: chr2-38996935-G-T. GRCh37 (hg19) VCF-style: chr2-39224076-G-T.
Other names: c.3047C>A, p.Pro1016His (NM_001382394.1); c.3068C>A, p.Pro1023His (NM_001382395.1); short protein forms P1016H, P1023H.
Identifiers: ClinVar variation 1949971 (VCV001949971.5), dbSNP rs1572806229, ClinGen allele CA346361317.